The following is an entry in ClinVar:

ClinVar aggregate classification (germline): Uncertain significance (1 of 4 stars; one submission).

Conditions:
Alport syndrome. Also called: Hemorrhagic familial nephritis; Hemorrhagic hereditary nephritis; Congenital hereditary hematuria. Identifiers: Orphanet 63, MedGen C1567741, MONDO:0018965.

Submission:

Myriad Genetics, Inc.
Classification: Uncertain significance for Alport syndrome. Last evaluated: 2026-05-12. Review status: criteria provided, single submitter. Criteria: Myriad Autosomal Dominant, Autosomal Recessive and X-Linked Classification Criteria (2023). Collection method: clinical testing. Allele origin: unknown.
Comment: NM_000091.4(COL4A3):c.2945G>T(G982V) is a missense variant classified as a variant of uncertain significance in the context of Alport syndrome, COL4A3-related. G982V has not been observed in cases with relevant disease. Relevant functional assessments of this variant are not available in the literature. G982V has not been observed in referenced population frequency databases. In summary, there is insufficient evidence to classify NM_000091.4(COL4A3):c.2945G>T(G982V) as pathogenic or benign. Please note: this variant was assessed in the context of healthy population screening.

NM_000091.5(COL4A3):c.2945G>T (p.Gly982Val)

Genes: COL4A3 (collagen type IV alpha 3 chain; plus strand), MFF-DT (MFF divergent transcript; minus strand). Cytogenetic location: 2q36.3.
Variant type: single nucleotide variant.
Coding change: c.2945G>T on transcript NM_000091.5 (MANE Select); coding-DNA position 2945, G replaced by T.
Protein change: p.Gly982Val; replaces glycine 982 with valine.
Molecular consequence: missense variant.
Genome position (GRCh38, 1-based): chr2:227,289,213, G>T. VCF-style: chr2-227289213-G-T. GRCh37 (hg19) VCF-style: chr2-228153929-G-T.
Other names: short protein forms G982V.
Identifiers: ClinVar variation 5003649 (VCV005003649.1).